The following is an entry in ClinVar:

ClinVar aggregate classification (germline): Uncertain significance (1 of 4 stars; one submission).

Submission:

Ambry Genetics
Classification: Uncertain significance. Last evaluated: 2021-06-14. Review status: criteria provided, single submitter. Criteria: Ambry Variant Classification Scheme 2023. Collection method: clinical testing. Allele origin: germline.
Comment: The p.T214I variant (also known as c.641C>T), located in coding exon 5 of the RECQL gene, results from a C to T substitution at nucleotide position 641. The threonine at codon 214 is replaced by isoleucine, an amino acid with similar properties. This amino acid position is not well conserved in available vertebrate species. In addition, this alteration is predicted to be tolerated by in silico analysis. Since supporting evidence is limited at this time, the clinical significance of this alteration remains unclear.

NM_002907.4(RECQL):c.641C>T (p.Thr214Ile)

Gene: RECQL (RecQ like helicase; minus strand). Cytogenetic location: 12p12.1.
Variant type: single nucleotide variant.
Coding change: c.641C>T on transcript NM_002907.4 (MANE Select); coding-DNA position 641, C replaced by T.
Protein change: p.Thr214Ile; replaces threonine 214 with isoleucine.
Molecular consequence: missense variant.
Genome position (GRCh38, 1-based): chr12:21,483,435, G>A on the plus strand (C>T on the coding strand, the complement: RECQL is on the minus strand). VCF-style: chr12-21483435-G-A. GRCh37 (hg19) VCF-style: chr12-21636369-G-A.
Other names: c.641C>T, p.Thr214Ile (NM_032941.3); short protein forms T214I.
Identifiers: ClinVar variation 1753424 (VCV001753424.2), dbSNP rs2137373977, ClinGen allele CA384126956.